The following is an entry in ClinVar:

NM_001290060.2(SEMA3B):c.254A>G (p.Lys85Arg)

Gene: SEMA3B (semaphorin 3B; plus strand). Cytogenetic location: 3p21.31.
Variant type: single nucleotide variant.
Coding change: c.254A>G on transcript NM_001290060.2 (MANE Select); coding-DNA position 254, A replaced by G.
Protein change: p.Lys85Arg; replaces lysine 85 with arginine.
Molecular consequence: missense variant.
Genome position (GRCh38, 1-based): chr3:50,270,271, A>G. VCF-style: chr3-50270271-A-G. GRCh37 (hg19) VCF-style: chr3-50307702-A-G.
Other names: c.254A>G, p.Lys85Arg (NM_001005914.3, NM_001290061.1, NM_001435956.1 and 3 more transcripts); short protein forms K85R.
Identifiers: ClinVar variation 4993018 (VCV004993018.1).

ClinVar aggregate classification (germline): Uncertain significance (1 of 4 stars; one submission).

Conditions:
SEMA3B-related disorder. Also called: SEMA3B-related condition.

Submission:

PreventionGenetics, part of Exact Sciences
Classification: Uncertain significance for SEMA3B-related condition. Last evaluated: 2026-06-02. Review status: criteria provided, single submitter. Criteria: ACMG Guidelines, 2015. Collection method: clinical testing. Allele origin: germline.
Comment: The SEMA3B c.254A>G variant is predicted to result in the amino acid substitution p.Lys85Arg. To our knowledge, this variant has not been reported in the literature or in a large population database (gnomAD), indicating this variant is rare. At this time, the clinical significance of this variant is uncertain due to the absence of conclusive functional and genetic evidence.